The following is an entry in ClinVar:

NM_001036.6(RYR3):c.6833T>C (p.Ile2278Thr)

Gene: RYR3 (ryanodine receptor 3; plus strand). Cytogenetic location: 15q14.
Variant type: single nucleotide variant.
Coding change: c.6833T>C on transcript NM_001036.6 (MANE Select); coding-DNA position 6833, T replaced by C.
Protein change: p.Ile2278Thr; replaces isoleucine 2278 with threonine.
Molecular consequence: missense variant.
Genome position (GRCh38, 1-based): chr15:33,724,097, T>C. VCF-style: chr15-33724097-T-C. GRCh37 (hg19) VCF-style: chr15-34016298-T-C.
Other names: c.6833T>C, p.Ile2278Thr (NM_001243996.4); c.6833T>C (NM_001036.3); short protein forms I2278T.
Identifiers: ClinVar variation 660560 (VCV000660560.13), dbSNP rs371761769, ClinGen allele CA7459701.

ClinVar aggregate classification (germline): Uncertain significance. Review status: criteria provided, multiple submitters, no conflicts (2 of 4 stars). 2 submissions from 2 submitters: Uncertain significance (2). Last evaluated 2025-06-26.

Conditions:
Epileptic encephalopathy. Identifiers: MedGen C0543888, HP:0200134.

Allele frequency attached by ClinVar (database versions not stated): gnomAD exomes 0.00002 and 0.00004; ExAC 0.00003; ESP Exome Variant Server 0.00008; gnomAD 0.00017 and 0.00019; 1000 Genomes Project 0.00020; TOPMed 0.00021; 1000 Genomes Project 30x 0.00031.
gnomAD v4.1: 61 of 1,611,958 alleles (0.0038%); highest among the groups gnomAD compares: African/African-American, 0.068%; no homozygotes.

Submissions (2):

Ambry Genetics
Classification: Uncertain significance. Last evaluated: 2025-06-26. Review status: criteria provided, single submitter. Criteria: Ambry Variant Classification Scheme 2023. Collection method: clinical testing. Allele origin: germline.

Labcorp Genetics (formerly Invitae), Labcorp
Classification: Uncertain significance for Epileptic encephalopathy. Last evaluated: 2020-11-11. Review status: criteria provided, single submitter. Criteria: Invitae Variant Classification Sherloc (09022015). Collection method: clinical testing. Allele origin: germline.
Comment: This sequence change replaces isoleucine with threonine at codon 2278 of the RYR3 protein (p.Ile2278Thr). The isoleucine residue is highly conserved and there is a moderate physicochemical difference between isoleucine and threonine. This variant is present in population databases (rs371761769, ExAC 0.04%). This variant has not been reported in the literature in individuals with RYR3-related disease. Algorithms developed to predict the effect of missense changes on protein structure and function output the following: SIFT: "Deleterious"; PolyPhen-2: "Benign"; Align-GVGD: "Class C25". The threonine amino acid residue is found in multiple mammalian species, suggesting that this missense change does not adversely affect protein function. These predictions have not been confirmed by published functional studies and their clinical significance is uncertain. In summary, the available evidence is currently insufficient to determine the role of this variant in disease. Therefore, it has been classified as a Variant of Uncertain Significance.